The following is an entry in ClinVar:

NM_001018115.3(FANCD2):c.3963+1G>A

Genes: FANCD2 (FA complementation group D2; plus strand), FANCD2OS (FANCD2 opposite strand; minus strand). Cytogenetic location: 3p25.3.
Variant type: single nucleotide variant.
Coding change: c.3963+1G>A on transcript NM_001018115.3 (MANE Select); the canonical splice donor site of the intron after coding-DNA position 3963, G replaced by A.
Molecular consequence: splice donor variant. On other transcripts: intron variant (1).
Genome position (GRCh38, 1-based): chr3:10,094,364, G>A. VCF-style: chr3-10094364-G-A. GRCh37 (hg19) VCF-style: chr3-10136048-G-A.
Other names: c.3963+1G>A (NM_001319984.2, NM_033084.6); c.3852+1G>A (NM_001374253.1); c.3924+1G>A (NM_001374254.1); c.*43+9834C>T (NM_173472.2).
Identifiers: ClinVar variation 4779015 (VCV004779015.1).

ClinVar aggregate classification (germline): Likely pathogenic (1 of 4 stars; one submission).

Conditions:
Fanconi anemia (FA). Also called: Fanconi's anemia. Identifiers: Orphanet 84, MedGen C0015625, MeSH D005199, MONDO:0019391.

Submission:

Labcorp Genetics (formerly Invitae), Labcorp
Classification: Likely pathogenic for Fanconi anemia. Last evaluated: 2025-08-06. Review status: criteria provided, single submitter. Criteria: Invitae Variant Classification Sherloc (09022015). Collection method: clinical testing. Allele origin: germline.
Comment: This sequence change affects a donor splice site in intron 40 of the FANCD2 gene. It is expected to disrupt RNA splicing. Variants that disrupt the donor or acceptor splice site typically lead to a loss of protein function (PMID: 16199547), and loss-of-function variants in FANCD2 are known to be pathogenic (PMID: 17436244). This variant is not present in population databases (gnomAD no frequency). This variant has not been reported in the literature in individuals affected with FANCD2-related conditions. Algorithms developed to predict the effect of sequence changes on RNA splicing suggest that this variant may disrupt the consensus splice site. In summary, the currently available evidence indicates that the variant is pathogenic, but additional data are needed to prove that conclusively. Therefore, this variant has been classified as Likely Pathogenic.

Literature cited by the submitters: PubMed 16199547; PubMed 17436244.